The following is an entry in ClinVar:

ClinVar aggregate classification (germline): Pathogenic (0 of 4 stars; one submission).

Conditions:
Alkaptonuria (AKU). Also called: Alkaptonuric ochronosis; Homogentisic acidura; Alcaptonuria; HOMOGENTISIC ACID OXIDASE DEFICIENCY. Identifiers: Orphanet 56, MedGen C0002066, MONDO:0008753, OMIM 203500.

Submission:

Department Of Human Genetics, Institute Of Clinical And Translational Research, Biomedical Research Center, Slovak Academy Of Sciences
Classification: Pathogenic for Alkaptonuria. Review status: no assertion criteria provided. Collection method: research. Allele origin: germline. Inheritance: Autosomal recessive inheritance. Affected: yes. Observed: 2 variant alleles.
Comment: The variant was originally described in AKU patient in PMID:19862842. It has been submitted to the HGD gene mutation database (DB-ID: AKU_00093).

Literature cited by the submitters: PubMed 19862842.

NM_000187.4(HGD):c.1075C>T (p.Pro359Ser)

Gene: HGD (homogentisate 1,2-dioxygenase; minus strand). Cytogenetic location: 3q13.33.
Variant type: single nucleotide variant.
Coding change: c.1075C>T on transcript NM_000187.4 (MANE Select); coding-DNA position 1075, C replaced by T.
Protein change: p.Pro359Ser; replaces proline 359 with serine.
Molecular consequence: missense variant.
Genome position (GRCh38, 1-based): chr3:120,633,260, G>A on the plus strand (C>T on the coding strand, the complement: HGD is on the minus strand). VCF-style: chr3-120633260-G-A. GRCh37 (hg19) VCF-style: chr3-120352107-G-A.
Other names: short protein forms P359S.
Identifiers: ClinVar variation 2627704 (VCV002627704.1), dbSNP rs2472652226, ClinGen allele CA354072888.